The following is an entry in ClinVar:

NM_000061.3(BTK):c.1716dup (p.Lys573fs)

Gene: BTK (Bruton tyrosine kinase; minus strand). Cytogenetic location: Xq22.1.
Variant type: Duplication.
Coding change: c.1716dup on transcript NM_000061.3 (MANE Select); coding-DNA position 1716, one base duplicated (C; older notation c.1716dupC).
Protein change: p.Lys573fs; shifts the reading frame from lysine 573.
Molecular consequence: frameshift variant.
Genome position (GRCh38, 1-based): chrX:101,353,904, G duplicated on the plus strand (C on the coding strand, the reverse complement: BTK is on the minus strand). VCF-style (leftmost placement, unchanged base first): chrX-101353903-T-TG. GRCh37 (hg19) VCF-style: chrX-100608891-T-TG.
Other names: c.1818dup, p.Lys607fs (NM_001287344.2); c.1188dup, p.Lys397fs (NM_001287345.2); short protein forms K397fs, K573fs, K607fs.
Identifiers: ClinVar variation 1329077 (VCV001329077.1), dbSNP rs2147424879, ClinGen allele CA2573055048.

ClinVar aggregate classification (germline): Likely pathogenic (1 of 4 stars; one submission).

Conditions:
X-linked agammaglobulinemia (XLA). Also called: Bruton's agammaglobulinemia; AGAMMAGLOBULINEMIA, X-LINKED, TYPE 1; IMMUNODEFICIENCY 1; Agammaglobulinemia, Bruton tyrosine kinase; Agammaglobulinemia, BTK; BTK-deficiency. Identifiers: Orphanet 229717, Orphanet 47, MedGen C0221026, MONDO:0010421, OMIM 300755.

Submission:

Women's Health and Genetics/Laboratory Corporation of America, LabCorp
Classification: Likely pathogenic for X-linked agammaglobulinemia. Last evaluated: 2021-11-10. Review status: criteria provided, single submitter. Criteria: LabCorp Variant Classification Summary - May 2015. Collection method: clinical testing. Allele origin: germline.
Comment: Variant summary: BTK c.1716dupC (p.Lys573GlnfsX7) results in a premature termination codon, predicted to cause a truncation of the encoded protein or absence of the protein due to nonsense mediated decay, which are commonly known mechanisms for disease. Truncations downstream of this position have been classified as pathogenic by our laboratory. The variant was absent in 183484 control chromosomes (gnomAD). To our knowledge, no occurrence of c.1716dupC in individuals affected with X-Linked Agammaglobulinemia and no experimental evidence demonstrating its impact on protein function have been reported. No clinical diagnostic laboratories have submitted clinical-significance assessments for this variant to ClinVar after 2014. Based on the evidence outlined above, the variant was classified as likely pathogenic.